The following is an entry in ClinVar:

ClinVar aggregate classification (germline): Uncertain significance. Review status: criteria provided, multiple submitters, no conflicts (2 of 4 stars). 2 submissions from 2 submitters: Uncertain significance (2). Last evaluated 2025-02-06.

Conditions:
Inborn genetic diseases. Identifiers: MedGen C0950123, MeSH D030342.
Acute myeloid leukemia (AML). Also called: Leukemia, acute myeloid, somatic; Leukemia, acute myelogenous, somatic; Acute myeloid leukemia, adult; AML adult; Acute non-lymphocytic leukemia; Acute granulocytic leukemia. Identifiers: Orphanet 519, MedGen C0023467, MeSH D015470, MONDO:0018874, OMIM 601626, HP:0004808. Disease mechanism: Constitutively activated FLT3.

Submissions (2):

Ambry Genetics
Classification: Uncertain significance for Inborn genetic diseases. Last evaluated: 2025-02-06. Review status: criteria provided, single submitter. Criteria: Ambry Variant Classification Scheme 2023. Collection method: clinical testing. Allele origin: germline.
Comment: The p.P128L variant (also known as c.383C>T), located in coding exon 1 of the CEBPA gene, results from a C to T substitution at nucleotide position 383. The proline at codon 128 is replaced by leucine, an amino acid with similar properties. This amino acid position is conserved. In addition, this alteration is predicted to be tolerated by in silico analysis. Based on the available evidence, the clinical significance of this variant remains unclear.

Labcorp Genetics (formerly Invitae), Labcorp
Classification: Uncertain significance for Acute myeloid leukemia. Last evaluated: 2021-08-19. Review status: criteria provided, single submitter. Criteria: Invitae Variant Classification Sherloc (09022015). Collection method: clinical testing. Allele origin: germline.
Comment: In summary, the available evidence is currently insufficient to determine the role of this variant in disease. Therefore, it has been classified as a Variant of Uncertain Significance. Algorithms developed to predict the effect of missense changes on protein structure and function output the following: SIFT: "Tolerated"; PolyPhen-2: "Benign"; Align-GVGD: "Class C0". The leucine amino acid residue is found in multiple mammalian species, which suggests that this missense change does not adversely affect protein function. This variant has not been reported in the literature in individuals affected with CEBPA-related conditions. The frequency data for this variant in the population databases is considered unreliable, as metrics indicate insufficient coverage at this position in the ExAC database. This sequence change replaces proline with leucine at codon 128 of the CEBPA protein (p.Pro128Leu). The proline residue is moderately conserved and there is a moderate physicochemical difference between proline and leucine.

NM_004364.5(CEBPA):c.383C>T (p.Pro128Leu)

Gene: CEBPA (CCAAT enhancer binding protein alpha; minus strand). Cytogenetic location: 19q13.11.
Variant type: single nucleotide variant.
Coding change: c.383C>T on transcript NM_004364.5 (MANE Select); coding-DNA position 383, C replaced by T.
Protein change: p.Pro128Leu; replaces proline 128 with leucine.
Molecular consequence: missense variant.
Genome position (GRCh38, 1-based): chr19:33,302,032, G>A on the plus strand (C>T on the coding strand, the complement: CEBPA is on the minus strand). VCF-style: chr19-33302032-G-A. GRCh37 (hg19) VCF-style: chr19-33792938-G-A.
Other names: c.26C>T, p.Pro9Leu (NM_001285829.2); c.488C>T, p.Pro163Leu (NM_001287424.2); c.341C>T, p.Pro114Leu (NM_001287435.2); c.383C>T (NM_004364.3); short protein forms P114L, P128L, P163L, P9L.
Identifiers: ClinVar variation 1376149 (VCV001376149.7), dbSNP rs878854702, ClinGen allele CA405275068.